The following is an entry in ClinVar:

ClinVar aggregate classification (germline): Uncertain significance. Review status: criteria provided, multiple submitters, no conflicts (2 of 4 stars). 2 submissions from 2 submitters: Uncertain significance (2). Last evaluated 2026-05-31.

Conditions:
MYH7B-related disorder. Also called: MYH7B-related condition.

Allele frequency attached by ClinVar (database versions not stated): ExAC 0.00005; gnomAD 0.00022; TOPMed 0.00043.
gnomAD v4.1: 65 of 1,594,544 alleles (0.0041%); highest among the groups gnomAD compares: Admixed American, 0.064%; 1 homozygote.

Submissions (2):

PreventionGenetics, part of Exact Sciences
Classification: Uncertain significance for MYH7B-related condition. Last evaluated: 2026-05-31. Review status: criteria provided, single submitter. Criteria: ACMG Guidelines, 2015. Collection method: clinical testing. Allele origin: germline.
Comment: The MYH7B c.3746C>T variant is predicted to result in the amino acid substitution p.Ala1249Val. To our knowledge, this variant has not been reported in the literature. This variant is reported in 0.012% of alleles in individuals of Latino descent in gnomAD. At this time, the clinical significance of this variant is uncertain due to the absence of conclusive functional and genetic evidence.

Labcorp Genetics (formerly Invitae), Labcorp
Classification: Uncertain significance. Last evaluated: 2025-11-22. Review status: criteria provided, single submitter. Criteria: Invitae Variant Classification Sherloc (09022015). Collection method: clinical testing. Allele origin: germline.
Comment: This sequence change replaces alanine, which is neutral and non-polar, with valine, which is neutral and non-polar, at codon 1249 of the MYH7B protein (p.Ala1249Val). The frequency data for this variant in the population databases is considered unreliable, as metrics indicate poor data quality at this position in the gnomAD database. This variant has not been reported in the literature in individuals affected with MYH7B-related conditions. ClinVar contains an entry for this variant (Variation ID: 2154200). Invitae Evidence Modeling of protein sequence and biophysical properties (such as structural, functional, and spatial information, amino acid conservation, physicochemical variation, residue mobility, and thermodynamic stability) indicates that this missense variant is not expected to disrupt MYH7B protein function with a negative predictive value of 80%. In summary, the available evidence is currently insufficient to determine the role of this variant in disease. Therefore, it has been classified as a Variant of Uncertain Significance.

NM_020884.7(MYH7B):c.3620C>T (p.Ala1207Val)

Gene: MYH7B (myosin heavy chain 7B; plus strand). Cytogenetic location: 20q11.22.
Variant type: single nucleotide variant.
Coding change: c.3620C>T on transcript NM_020884.7 (MANE Select); coding-DNA position 3620, C replaced by T.
Protein change: p.Ala1207Val; replaces alanine 1207 with valine.
Molecular consequence: missense variant.
Genome position (GRCh38, 1-based): chr20:34,997,513, C>T. VCF-style: chr20-34997513-C-T. GRCh37 (hg19) VCF-style: chr20-33585316-C-T.
Other names: c.3746C>T (NM_020884.4); short protein forms A1207V.
Identifiers: ClinVar variation 2154200 (VCV002154200.5), dbSNP rs749465531, ClinGen allele CA9827788.
Genomic context (GRCh38, chr20:34,997,513, plus strand): 5'-AGGCGGCGCTGCGGCACGAGGCCACAGTGGCGGCACTGCGGCGCAAGCAGGCGGAGGGCG[C>T]GGCGGAGCTGGGGGAGCAGGTGGACAGCCTGCAGCGGGTGCGGCAGAAGCTGGAGAAGGA-3'
Protein context (NP_065935.4, residues 1197-1217): AALRRKQAEG[Ala1207Val]AELGEQVDSL